The following is an entry in ClinVar:

ClinVar aggregate classification (germline): Uncertain significance (1 of 4 stars; one submission).

Conditions:
DHX30-related disorder. Also called: DHX30-related condition.

Submission:

PreventionGenetics, part of Exact Sciences
Classification: Uncertain significance for DHX30-related condition. Last evaluated: 2023-04-20. Review status: criteria provided, single submitter. Criteria: ACMG Guidelines, 2015. Collection method: clinical testing. Allele origin: germline.
Comment: The DHX30 c.1913_1924del12 variant is predicted to result in an in-frame deletion (p.Arg638_His641del). To our knowledge, this variant has not been reported in the literature or in a large population database, indicating this variant is rare. At this time, the clinical significance of this variant is uncertain due to the absence of conclusive functional and genetic evidence.

NM_138615.3(DHX30):c.1913_1924del (p.Arg638_His641del)

Gene: DHX30 (DExH-box helicase 30; plus strand). Cytogenetic location: 3p21.31.
Variant type: Deletion.
Coding change: c.1913_1924del on transcript NM_138615.3 (MANE Select); coding-DNA positions 1913 to 1924, 12 bases deleted (GGCACCGGCACC).
Protein change: p.Arg638_His641del.
Molecular consequence: inframe deletion.
Genome position (GRCh38, 1-based): chr3:47,846,985-47,846,996, GGCACCGGCACC deleted; deleting any 12 consecutive bases within chr3:47,846,980-47,846,996 gives the same sequence; the c. name uses the placement nearest the transcript's 3' end. VCF-style (leftmost placement, unchanged base first): chr3-47846979-TGCACCGGCACCG-T. GRCh37 (hg19) VCF-style: chr3-47888469-TGCACCGGCACCG-T.
Other names: c.1829_1840del, p.Arg610_His613del (NM_001330990.2); c.1796_1807del, p.Arg599_His602del (NM_014966.4).
Identifiers: ClinVar variation 2630312 (VCV002630312.1), dbSNP rs772302527, ClinGen allele CA543043842.
Genomic context (GRCh38, chr3:47,846,979, plus strand): 5'-ACCCAGTCAAGGAGCACTACCTAGAGGACATCCTGGCCAAGTTGGGCAAGCACCAGTACC[TGCACCGGCACCG>T]GCACCATGAGGTGAGGGACACCCCCATCCCACCCAAGGCTCCTGGCCTTTCCTCCGTGGA-3'